The following is an entry in ClinVar:

ClinVar aggregate classification (germline): Uncertain significance (1 of 4 stars; one submission).

gnomAD v4.1: 13 of 1,610,744 alleles (0.00081%); highest among the groups gnomAD compares: African/African-American, 0.017%; no homozygotes.

Submission:

Labcorp Genetics (formerly Invitae), Labcorp
Classification: Uncertain significance. Last evaluated: 2024-12-13. Review status: criteria provided, single submitter. Criteria: Invitae Variant Classification Sherloc (09022015). Collection method: clinical testing. Allele origin: germline.
Comment: This sequence change replaces aspartic acid, which is acidic and polar, with valine, which is neutral and non-polar, at codon 274 of the EDNRB protein (p.Asp274Val). This variant is present in population databases (rs142295388, gnomAD 0.01%). This variant has not been reported in the literature in individuals affected with EDNRB-related conditions. Invitae Evidence Modeling of protein sequence and biophysical properties (such as structural, functional, and spatial information, amino acid conservation, physicochemical variation, residue mobility, and thermodynamic stability) indicates that this missense variant is not expected to disrupt EDNRB protein function with a negative predictive value of 80%. In summary, the available evidence is currently insufficient to determine the role of this variant in disease. Therefore, it has been classified as a Variant of Uncertain Significance.

NM_001122659.3(EDNRB):c.821A>T (p.Asp274Val)

Genes: EDNRB (endothelin receptor type B; minus strand), EDNRB-AS1 (EDNRB antisense RNA 1; plus strand). Cytogenetic location: 13q22.3.
Variant type: single nucleotide variant.
Coding change: c.821A>T on transcript NM_001122659.3 (MANE Select); coding-DNA position 821, A replaced by T.
Protein change: p.Asp274Val; replaces aspartic acid 274 with valine.
Molecular consequence: missense variant.
Genome position (GRCh38, 1-based): chr13:77,901,188, T>A on the plus strand (A>T on the coding strand, the complement: EDNRB is on the minus strand). VCF-style: chr13-77901188-T-A. GRCh37 (hg19) VCF-style: chr13-78475323-T-A.
Other names: c.821A>T, p.Asp274Val (NM_000115.5, NM_003991.4); c.1091A>T, p.Asp364Val (NM_001201397.2); short protein forms D274V, D364V.
Identifiers: ClinVar variation 3622233 (VCV003622233.2).